The following is an entry in ClinVar:

ClinVar aggregate classification (germline): Uncertain significance (1 of 4 stars; one submission).

Conditions:
Werner syndrome (WRN). Identifiers: Orphanet 902, MedGen C0043119, MONDO:0010196, OMIM 277700.

Allele frequency attached by ClinVar (database versions not stated): TOPMed 0.00001.
gnomAD v4.1: 7 of 1,613,646 alleles (0.00043%); highest among the groups gnomAD compares: Non-Finnish European, 0.00059%; no homozygotes.

Submission:

Labcorp Genetics (formerly Invitae), Labcorp
Classification: Uncertain significance for Werner syndrome. Last evaluated: 2024-04-29. Review status: criteria provided, single submitter. Criteria: Invitae Variant Classification Sherloc (09022015). Collection method: clinical testing. Allele origin: germline.
Comment: This sequence change replaces lysine, which is basic and polar, with glutamine, which is neutral and polar, at codon 146 of the WRN protein (p.Lys146Gln). This variant is present in population databases (rs752014453, gnomAD 0.0009%). This variant has not been reported in the literature in individuals affected with WRN-related conditions. ClinVar contains an entry for this variant (Variation ID: 458484). An algorithm developed to predict the effect of missense changes on protein structure and function (PolyPhen-2) suggests that this variant is likely to be disruptive. In summary, the available evidence is currently insufficient to determine the role of this variant in disease. Therefore, it has been classified as a Variant of Uncertain Significance.

NM_000553.6(WRN):c.436A>C (p.Lys146Gln)

Gene: WRN (WRN RecQ like helicase; plus strand). Cytogenetic location: 8p12.
Variant type: single nucleotide variant.
Coding change: c.436A>C on transcript NM_000553.6 (MANE Select); coding-DNA position 436, A replaced by C.
Protein change: p.Lys146Gln; replaces lysine 146 with glutamine.
Molecular consequence: missense variant.
Genome position (GRCh38, 1-based): chr8:31,064,995, A>C. VCF-style: chr8-31064995-A-C. GRCh37 (hg19) VCF-style: chr8-30922511-A-C.
Other names: short protein forms K146Q.
Identifiers: ClinVar variation 458484 (VCV000458484.6), dbSNP rs752014453, ClinGen allele CA4704065.